The following is an entry in ClinVar:

NM_001267550.2(TTN):c.91715dup (p.Asn30572fs)

Genes: TTN (titin; minus strand), TTN-AS1 (TTN antisense RNA 1; plus strand). Cytogenetic location: 2q31.2.
Variant type: Duplication.
Coding change: c.91715dup on transcript NM_001267550.2 (MANE Select); coding-DNA position 91715, one base duplicated (A; older notation c.91715dupA).
Protein change: p.Asn30572fs; shifts the reading frame from asparagine 30572.
Molecular consequence: frameshift variant.
Genome position (GRCh38, 1-based): chr2:178,550,123, T duplicated on the plus strand (A on the coding strand, the reverse complement: TTN is on the minus strand); the first of 2 consecutive T bases (chr2:178,550,123-178,550,124); duplicating either gives the same sequence. VCF-style (leftmost placement, unchanged base first): chr2-178550122-A-AT. GRCh37 (hg19) VCF-style: chr2-179414849-A-AT.
Other names: c.91715dupA (NM_001267550.1); c.86792dup, p.Asn28931fs (NM_001256850.1); c.64520dup, p.Asn21507fs (NM_003319.4); c.84011dup, p.Asn28004fs (NM_133378.4); c.64895dup, p.Asn21632fs (NM_133432.3); c.65096dup, p.Asn21699fs (NM_133437.4); c.91715dup (NM_001267550.1, LRG_391t1); c.64520dupA (NM_003319.4); short protein forms N28004fs, N28931fs, N21632fs, N21699fs, N21507fs, N30572fs.
Identifiers: ClinVar variation 223353 (VCV000223353.41), dbSNP rs779129892, ClinGen allele CA352450.

ClinVar aggregate classification (germline): Pathogenic/Likely pathogenic. Review status: criteria provided, multiple submitters, no conflicts (2 of 4 stars). 8 submissions from 8 submitters: Pathogenic (2); Likely pathogenic (5). 1 of the submissions does not count toward it. Last evaluated 2026-06-15.

Conditions:
Autosomal recessive limb-girdle muscular dystrophy type 2J (LGMDR10). Also called: Limb-girdle muscular dystrophy, type 2J; MUSCULAR DYSTROPHY, LIMB-GIRDLE, AUTOSOMAL RECESSIVE 10. Identifiers: Orphanet 140922, MedGen C1837342, MONDO:0012127, OMIM 608807.
Dilated cardiomyopathy 1G (CMD1G). Identifiers: Orphanet 154, MedGen C1858763, MONDO:0011400, OMIM 604145.
Primary dilated cardiomyopathy (DCM). Also called: Dilated Cardiomyopathy. Identifiers: Orphanet 217604, MedGen C0007193, MeSH D002311, MONDO:0005021, HP:0001644. Inheritance: Various modes of inheritance.
TTN-related disorder. Also called: TTN-related disorders; TTN-related condition; TTN-related disease.
Cardiovascular phenotype. Identifiers: MedGen CN230736.

Submissions (8):

Victorian Clinical Genetics Services, Murdoch Childrens Research Institute
Classification: Likely pathogenic for Dilated cardiomyopathy 1G. Last evaluated: 2026-06-15. Review status: criteria provided, single submitter. Criteria: ACMG Guidelines, 2015. Collection method: clinical testing. Allele origin: germline. Affected: yes.
Comment: This variant is classified as Likely pathogenic. Evidence in support of pathogenic classification: Variant is predicted to cause nonsense-mediated decay (NMD) and loss of protein (premature termination codon is located at least 54 nucleotides upstream of the final exon-exon junction); Variant is present in gnomAD <0.01 (v4: 4 heterozygote(s), 0 homozygote(s)). - This variant has strong previous evidence of pathogenicity in unrelated individuals. This variant has been classified as pathogenic and likely pathogenic by clinical laboratories in ClinVar. It has also been reported in the literature in individuals with dilated cardiomyopathy (PMIDs: 33106378, 37032351); Other NMD-predicted variant(s) comparable to the one identified in this case have strong previous evidence for pathogenicity (ClinVar). Additional information: This variant is heterozygous; This gene is associated with both recessive and dominant disease (OMIM); No published evidence of segregation with disease has been identified for this variant; Variant is located in the annotated A-band and the exon has a PSI score of 100% (PMID: 25589632); Loss of function is a known mechanism of disease in this gene. In addition, dominant negative is also a suggested mechanism (PMID: 25589632); The condition associated with this gene has incomplete penetrance. Variants in this gene that result in a premature termination codon (PTC) are known to have reduced penetrance in DCM (PMID: 25589632); Inheritance information for this variant is not currently available in this individual.

GeneDx
Classification: Pathogenic. Last evaluated: 2026-04-21. Review status: criteria provided, single submitter. Criteria: GeneDx Variant Classification Process June 2021. Collection method: clinical testing. Allele origin: germline.
Comment: Frameshift variant predicted to result in protein truncation or nonsense mediated decay in a gene for which loss of function is a known mechanism of disease; Located in the A-band, a region of TTN for which truncating variants are significantly associated with autosomal dominant cardiomyopathy and also with autosomal recessive skeletal myopathies (PMID: 22335739, 32778822); Reported in an individual with unexplained limb-girdle weakness; further clinical and genetic data were not provided (PMID: 32528171); Not observed at significant frequency in large population cohorts (gnomAD); This variant is associated with the following publications: (PMID: 25589632, 35653365, 33106378, 32528171, 22335739, 32778822, 37999665)

Labcorp Genetics (formerly Invitae), Labcorp
Classification: Likely pathogenic for Dilated cardiomyopathy 1G; Autosomal recessive limb-girdle muscular dystrophy type 2J. Last evaluated: 2025-03-05. Review status: criteria provided, single submitter. Criteria: Invitae Variant Classification Sherloc (09022015). Collection method: clinical testing. Allele origin: germline.
Comment: This sequence change creates a premature translational stop signal (p.Asn30572Lysfs*16) in the TTN gene. While this is not anticipated to result in nonsense mediated decay, it is expected to create a truncated TTN protein. This variant is present in population databases (rs779129892, gnomAD 0.007%). This premature translational stop signal has been observed in individual(s) with TTN-related conditions (PMID: 32528171, 33106378). ClinVar contains an entry for this variant (Variation ID: 223353). This variant is located in the A band of TTN (PMID: 25589632). Truncating variants in this region are significantly overrepresented in patients affected with dilated cardiomyopathy (PMID: 25589632). Truncating variants in this region have also been reported in individuals affected with autosomal recessive centronuclear myopathy (PMID: 23975875). In summary, the currently available evidence indicates that the variant is pathogenic, but additional data are needed to prove that conclusively. Therefore, this variant has been classified as Likely Pathogenic.

Broad Center for Mendelian Genomics, Broad Institute of MIT and Harvard
Classification: Likely pathogenic for Autosomal recessive limb-girdle muscular dystrophy type 2J. Last evaluated: 2025-01-09. Review status: criteria provided, single submitter. Criteria: ACMG Guidelines, 2015. Collection method: research. Allele origin: germline. Inheritance: Autosomal recessive inheritance. Affected: yes. Observed: 1 variant allele, 1 compound heterozygote. Study: Broad Institute Center for Mendelian Genomics (CMG).
Comment: The phase of these variants is unknown at this time. This variant has not been reported in the literature in individuals with limb-girdle muscular dystrophy but has been identified in 0.001% (1/74888) of African/African American chromosomes by the Genome Aggregation Database (gnomAD; dbSNP rs779129892). Although this variant has been seen in the general population in a heterozygous state, its frequency is low enough to be consistent with a recessive carrier frequency. This variant has also been reported in ClinVar (Variation ID: 223353) and has been interpreted as pathogenic by GeneDx, likely pathogenic by Blueprint Genetics, Labcorp Genetics (formerly Invitae), Center for Human Genetics (University of Leuven), and Ambry Genetics, and a variant of uncertain significance by Cardiovascular Biomedical Research Unit (Royal Brompton & Harefield NHS Foundation Trust). This variant is predicted to cause a frameshift, which alters the protein’s amino acid sequence beginning at position 30572 and leads to a premature termination codon 16 amino acids downstream. This alteration is then predicted to lead to a truncated or absent protein. Loss of function of the TTN gene is an established disease mechanism in autosomal recessive TTN-related myopathy. In summary, although additional studies are required to fully establish its clinical significance, this variant is likely pathogenic for autosomal recessive TTN-related myopathy. ACMG/AMP Criteria applied: PVS1, PM2_supporting (Richards 2015).

Center for Human Genetics, University of Leuven
Classification: Likely pathogenic for Primary dilated cardiomyopathy. Last evaluated: 2022-12-31. Review status: criteria provided, single submitter. Criteria: ACMG Guidelines, 2015. Collection method: clinical testing. Allele origin: germline. Affected: yes.

Ambry Genetics
Classification: Likely pathogenic for Cardiovascular phenotype. Last evaluated: 2021-12-10. Review status: criteria provided, single submitter. Criteria: Ambry Variant Classification Scheme 2023. Collection method: clinical testing. Allele origin: germline.
Comment: The c.64520dupA variant, located in coding exon 164 of the TTN gene, results from a duplication of A at nucleotide position 64520, causing a translational frameshift with a predicted alternate stop codon (p.N21507Kfs*16). This exon is located in the A-band region of the N2-B isoform of the titin protein and is constitutively expressed in TTN transcripts (percent spliced in or PSI 100%). This variant (also referred to as c.91715_91716insA and c.91715dup) has been detected in a population-based cohort study and in a cohort with limb-girdle muscle weakness and/or elevated creatine kinase; however, clinical details were limited (Roberts AM et al. Sci Transl Med, 2015 Jan;7:270ra6; T&ouml;pf A et al. Genet Med, 2020 09;22:1478-1488). This variant is considered to be rare based on population cohorts in the Genome Aggregation Database (gnomAD). This alteration is expected to result in loss of function by premature protein truncation or nonsense-mediated mRNA decay. While truncating variants in TTN are present in 1-3% of the general population, truncating variants in the A-band are the most common cause of dilated cardiomyopathy (DCM) (Herman DS et al. N. Engl. J. Med., 2012 Feb;366:619-28; Roberts AM et al. Sci Transl Med, 2015 Jan;7:270ra6). TTN truncating variants encoded in constitutive exons (PSI >90%) have been found to be significantly associated with DCM regardless of their position in titin (Schafer S et al. Nat. Genet., 2017 01;49:46-53). As such, this alteration is classified as likely pathogenic.

Blueprint Genetics
Classification: Pathogenic for TTN-related disorders. Last evaluated: 2018-03-02. Review status: criteria provided, single submitter. Criteria: ACMG Guidelines, 2015. Collection method: clinical testing. Allele origin: germline. Affected: yes. Observed: 1 variant allele.

Cardiovascular Biomedical Research Unit, Royal Brompton & Harefield NHS Foundation Trust
Classification: Uncertain significance for Primary dilated cardiomyopathy. Last evaluated: 2014-10-08. Review status: flagged submission. Criteria: Roberts et al. 2015. Collection method: research. Allele origin: germline. Inheritance: Autosomal dominant inheritance. Affected: no. Observed: 1 variant allele. Study: JHS cohort. Not counted in ClinVar's aggregate classification.
Comment: In the seven cohorts assessed, TTNtv were found in 14% of ambulant DCM, 22% end-stage or familial DCM, and 2% controls. Heterozygous nonsense, frameshift and canonical splice-disrupting variants found in constitutive and other highly utilised exons are highly likely to be pathogenic when identified in individuals with phenotypically confirmed DCM. TTNtv found incidentally in healthy individuals (excluding familial assessment of DCM relatives) are thought to have low penetrance, particularly when identified in exons that are not constitutively expressed in the heart.
ClinVar note: Reason: Older and outlier claim with insufficient supporting evidence

Literature cited by the submitters: PubMed 37032351 (cited by Victorian Clinical Genetics Services, Murdoch Childrens Research Institute); PubMed 33106378 (cited by 3 submitters); PubMed 25589632 (cited by 3 submitters); PubMed 32528171 (cited by Labcorp Genetics (formerly Invitae), Labcorp and Ambry Genetics); PubMed 23975875 (cited by Labcorp Genetics (formerly Invitae), Labcorp).